The following is an entry in ClinVar:

NM_006015.6(ARID1A):c.5386C>A (p.Pro1796Thr)

Gene: ARID1A (AT-rich interaction domain 1A; plus strand). Cytogenetic location: 1p36.11.
Variant type: single nucleotide variant.
Coding change: c.5386C>A on transcript NM_006015.6 (MANE Select); coding-DNA position 5386, C replaced by A.
Protein change: p.Pro1796Thr; replaces proline 1796 with threonine.
Molecular consequence: missense variant.
Genome position (GRCh38, 1-based): chr1:26,779,284, C>A. VCF-style: chr1-26779284-C-A. GRCh37 (hg19) VCF-style: chr1-27105775-C-A.
Other names: c.4735C>A, p.Pro1579Thr (NM_139135.4); short protein forms P1579T, P1796T.
Identifiers: ClinVar variation 3658558 (VCV003658558.2).

ClinVar aggregate classification (germline): Uncertain significance (1 of 4 stars; one submission).

Submission:

Labcorp Genetics (formerly Invitae), Labcorp
Classification: Uncertain significance. Last evaluated: 2024-07-02. Review status: criteria provided, single submitter. Criteria: Invitae Variant Classification Sherloc (09022015). Collection method: clinical testing. Allele origin: germline.
Comment: This sequence change replaces proline, which is neutral and non-polar, with threonine, which is neutral and polar, at codon 1796 of the ARID1A protein (p.Pro1796Thr). This variant is not present in population databases (gnomAD no frequency). This variant has not been reported in the literature in individuals affected with ARID1A-related conditions. Advanced modeling of protein sequence and biophysical properties (such as structural, functional, and spatial information, amino acid conservation, physicochemical variation, residue mobility, and thermodynamic stability) performed at Invitae indicates that this missense variant is not expected to disrupt ARID1A protein function with a negative predictive value of 80%. In summary, the available evidence is currently insufficient to determine the role of this variant in disease. Therefore, it has been classified as a Variant of Uncertain Significance.